The following is an entry in ClinVar:

ClinVar aggregate classification (germline): Conflicting classifications of pathogenicity. Review status: criteria provided, conflicting classifications (1 of 4 stars). 2 submissions from 2 submitters: Uncertain significance (1); Likely benign (1). Last evaluated 2025-12-30.

Conditions:
Norman-Roberts syndrome (LIS2). Also called: Lissencephaly 2 (Norman-Roberts type). Identifiers: Orphanet 89844, MedGen C0796089, MONDO:0009760, OMIM 257320.
Familial temporal lobe epilepsy 7. Identifiers: Orphanet 101046, MedGen C4225327, MONDO:0014639, OMIM 616436.

Allele frequency attached by ClinVar (database versions not stated): gnomAD exomes below 0.00001; ExAC 0.00002.
gnomAD v4.1: 6 of 1,613,704 alleles (0.00037%); highest among the groups gnomAD compares: Admixed American, 0.0083%; no homozygotes.

Submissions (2):

GeneDx
Classification: Uncertain significance. Last evaluated: 2025-12-30. Review status: criteria provided, single submitter. Criteria: GeneDx Variant Classification Process June 2021. Collection method: clinical testing. Allele origin: germline.
Comment: Not observed at significant frequency in large population cohorts (gnomAD); In silico analysis suggests that this missense variant does not alter protein structure/function; Has not been previously published as pathogenic or benign to our knowledge

Labcorp Genetics (formerly Invitae), Labcorp
Classification: Likely benign for Familial temporal lobe epilepsy 7; Norman-Roberts syndrome. Last evaluated: 2025-09-24. Review status: criteria provided, single submitter. Criteria: Invitae Variant Classification Sherloc (09022015). Collection method: clinical testing. Allele origin: germline.

NM_005045.4(RELN):c.911C>G (p.Ser304Cys)

Gene: RELN (reelin; minus strand). Cytogenetic location: 7q22.1.
Variant type: single nucleotide variant.
Coding change: c.911C>G on transcript NM_005045.4 (MANE Select); coding-DNA position 911, C replaced by G.
Protein change: p.Ser304Cys; replaces serine 304 with cysteine.
Molecular consequence: missense variant.
Genome position (GRCh38, 1-based): chr7:103,698,085, G>C on the plus strand (C>G on the coding strand, the complement: RELN is on the minus strand). VCF-style: chr7-103698085-G-C. GRCh37 (hg19) VCF-style: chr7-103338532-G-C.
Other names: c.911C>G, p.Ser304Cys (NM_173054.3); short protein forms S304C.
Identifiers: ClinVar variation 3252594 (VCV003252594.4), dbSNP rs777543027.
Genomic context (GRCh38, chr7:103,698,085, plus strand): 5'-ACATTCTCCCCTTTGGCGTCCTCAGGAAGGTAGAGGATATGGATGATTGTGCTGACATTG[G>C]AAGGGGCTCTGGAACATACAGAGAGATGGCAAGTTTAGCAATGCTGACTTTTTCTTTCTT-3'
Protein context (NP_005036.2, residues 294-314): WIQLEKIRAP[Ser304Cys]NVSTIIHILY